The following is an entry in ClinVar:

ClinVar aggregate classification (germline): Uncertain significance (1 of 4 stars; one submission).

Submission:

Labcorp Genetics (formerly Invitae), Labcorp
Classification: Uncertain significance. Last evaluated: 2020-12-18. Review status: criteria provided, single submitter. Criteria: Invitae Variant Classification Sherloc (09022015). Collection method: clinical testing. Allele origin: germline.
Comment: In summary, the available evidence is currently insufficient to determine the role of this variant in disease. Therefore, it has been classified as a Variant of Uncertain Significance. Algorithms developed to predict the effect of missense changes on protein structure and function are either unavailable or do not agree on the potential impact of this missense change (SIFT: "Deleterious"; PolyPhen-2: "Probably Damaging"; Align-GVGD: "Class C0"). This variant has not been reported in the literature in individuals with USH2A-related conditions. This variant is not present in population databases (ExAC no frequency). This sequence change replaces glycine with glutamic acid at codon 3070 of the USH2A protein (p.Gly3070Glu). The glycine residue is highly conserved and there is a moderate physicochemical difference between glycine and glutamic acid.

NM_206933.4(USH2A):c.9209G>A (p.Gly3070Glu)

Gene: USH2A (usherin; minus strand). Cytogenetic location: 1q41.
Variant type: single nucleotide variant.
Coding change: c.9209G>A on transcript NM_206933.4 (MANE Select); coding-DNA position 9209, G replaced by A.
Protein change: p.Gly3070Glu; replaces glycine 3070 with glutamic acid.
Molecular consequence: missense variant.
Genome position (GRCh38, 1-based): chr1:215,844,343, C>T on the plus strand (G>A on the coding strand, the complement: USH2A is on the minus strand). VCF-style: chr1-215844343-C-T. GRCh37 (hg19) VCF-style: chr1-216017685-C-T.
Other names: short protein forms G3070E.
Identifiers: ClinVar variation 1494682 (VCV001494682.8), dbSNP rs2102821754, ClinGen allele CA344838622.